The following is an entry in ClinVar:

NM_002528.7(NTHL1):c.893G>A (p.Cys298Tyr)

Gene: NTHL1 (nth like DNA glycosylase 1; minus strand). Cytogenetic location: 16p13.3.
Variant type: single nucleotide variant.
Coding change: c.893G>A on transcript NM_002528.7 (MANE Select); coding-DNA position 893, G replaced by A.
Protein change: p.Cys298Tyr; replaces cysteine 298 with tyrosine.
Molecular consequence: missense variant.
Genome position (GRCh38, 1-based): chr16:2,039,946, C>T on the plus strand (G>A on the coding strand, the complement: NTHL1 is on the minus strand). VCF-style: chr16-2039946-C-T. GRCh37 (hg19) VCF-style: chr16-2089947-C-T.
Other names: c.722G>A, p.Cys241Tyr (NM_001318193.2); c.563G>A, p.Cys188Tyr (NM_001318194.2); short protein forms C188Y, C241Y, C298Y.
Identifiers: ClinVar variation 3408210 (VCV003408210.3).

ClinVar aggregate classification (germline): Uncertain significance. Review status: criteria provided, multiple submitters, no conflicts (2 of 4 stars). 2 submissions from 2 submitters: Uncertain significance (2). Last evaluated 2024-11-22.

Conditions:
Hereditary cancer-predisposing syndrome. Also called: Neoplastic Syndromes, Hereditary; Tumor predisposition; Hereditary Cancer Syndrome; Hereditary neoplastic syndrome. Identifiers: Orphanet 140162, MedGen C0027672, MeSH D009386, MONDO:0015356.

Submissions (2):

Labcorp Genetics (formerly Invitae), Labcorp
Classification: Uncertain significance. Last evaluated: 2024-11-22. Review status: criteria provided, single submitter. Criteria: Invitae Variant Classification Sherloc (09022015). Collection method: clinical testing. Allele origin: germline.
Comment: This sequence change replaces cysteine, which is neutral and slightly polar, with tyrosine, which is neutral and polar, at codon 306 of the NTHL1 protein (p.Cys306Tyr). This variant is not present in population databases (gnomAD no frequency). This variant has not been reported in the literature in individuals affected with NTHL1-related conditions. An algorithm developed to predict the effect of missense changes on protein structure and function (PolyPhen-2) suggests that this variant is likely to be disruptive. In summary, the available evidence is currently insufficient to determine the role of this variant in disease. Therefore, it has been classified as a Variant of Uncertain Significance.

Ambry Genetics
Classification: Uncertain significance for Hereditary cancer-predisposing syndrome. Last evaluated: 2024-08-21. Review status: criteria provided, single submitter. Criteria: Ambry Variant Classification Scheme 2023. Collection method: clinical testing. Allele origin: germline.
Comment: The p.C306Y variant (also known as c.917G>A), located in coding exon 6 of the NTHL1 gene, results from a G to A substitution at nucleotide position 917. The cysteine at codon 306 is replaced by tyrosine, an amino acid with highly dissimilar properties. This amino acid position is conserved. In addition, this alteration is predicted to be deleterious by in silico analysis. Based on the available evidence, the clinical significance of this variant remains unclear.